The following is an entry in ClinVar:

NC_000015.9:g.(?_25584264)_(25620930_?)dup

Genes: SNHG14 (small nucleolar RNA host gene 14; plus strand), UBE3A (ubiquitin protein ligase E3A; minus strand). Cytogenetic location: 15q11.2.
Variant type: Duplication.
Identifiers: ClinVar variation 583426 (VCV000583426.1).

ClinVar aggregate classification (germline): Uncertain significance (1 of 4 stars; one submission).

Conditions:
Angelman syndrome (AS). Also called: HAPPY PUPPET SYNDROME. Identifiers: Orphanet 72, MedGen C0162635, MONDO:0007113, OMIM 105830. Disease mechanism: loss of function. Inheritance: AS is caused by disruption of maternally imprinted UBE3A located within the 15q11.2-q13 Angelman syndrome/Prader-Willi syndrome (AS/PWS) region., imprinting disorder.

Submission:

Labcorp Genetics (formerly Invitae), Labcorp
Classification: Uncertain significance for Angelman syndrome. Last evaluated: 2018-01-12. Review status: criteria provided, single submitter. Criteria: Invitae Variant Classification Sherloc (09022015). Collection method: clinical testing. Allele origin: germline.
Comment: This copy number variant is a gain of the genomic region encompassing the full coding sequence of the GABRB3 gene.Â¬â€  The boundaries of this event are unknown as the copy number gain extends beyond the assayed region for this gene and therefore may encompass additional genes.Â¬â€  As the precise location of this copy number gain is unknown, it may be in tandem or it may be located elsewhere in the genome. A whole-gene copy number gain of just the UBE3A gene has been reported in the literature to segregate with disease in a family affected with developmental delay and neuropsychiatric phenotypes (PMID: 25884337). In addition, much larger copy number variants encompassing more than 5 Mb of DNA (15q11-q13), and multiple adjacent genes have been reported in individuals with a wide spectrum of neuropsychiatric disorders, including autism spectrum disorders, developmental delay, learning difficulties, schizophrenia, and seizures (PMID: 26068938, 23495136, 28281572). Experimental studies and prediction algorithms are not available for this variant, and the functional significance of a UBE3A whole-gene copy number gain is currently unknown. In summary, the available evidence is currently insufficient to determine the role of this variant in disease. Therefore, it has been classified as a Variant of Uncertain Significance.

Literature cited by the submitters: PubMed 25884337; PubMed 28281572; PubMed 26068938; PubMed 23495136.